The following is an entry in ClinVar:

ClinVar aggregate classification (germline): Likely pathogenic (0 of 4 stars; one submission).

Conditions:
Secondary microcephaly. Also called: Postnatal microcephaly. Identifiers: MedGen C0431352, HP:0005484.
Expressive language delay. Identifiers: MedGen C0454641, HP:0002474.
Global developmental delay (DD). Also called: Cognitive delay. Identifiers: MedGen C0557874, HP:0001263. Disease mechanism: loss of function.

Submission:

Baylor Genetics
Classification: Likely pathogenic for Secondary microcephaly; Expressive language delay; Global developmental delay. Last evaluated: 2017-07-03. Review status: no assertion criteria provided. Collection method: research. Allele origin: de novo. Inheritance: Autosomal dominant inheritance. Affected: yes. Study: BPTF_variants.

Literature cited by the submitters: PubMed 28942966.

NM_182641.4(BPTF):c.5392G>A (p.Ala1798Thr)

Gene: BPTF (bromodomain PHD finger transcription factor; plus strand). Cytogenetic location: 17q24.2.
Variant type: single nucleotide variant.
Coding change: c.5392G>A on transcript NM_182641.4 (MANE Select); coding-DNA position 5392, G replaced by A.
Protein change: p.Ala1798Thr; replaces alanine 1798 with threonine.
Molecular consequence: missense variant.
Genome position (GRCh38, 1-based): chr17:67,918,802, G>A. VCF-style: chr17-67918802-G-A. GRCh37 (hg19) VCF-style: chr17-65914918-G-A.
Other names: c.5770G>A, p.Ala1924Thr (NM_004459.7); short protein forms A1924T, A1798T.
Identifiers: ClinVar variation 431070 (VCV000431070.2), dbSNP rs1425998598, ClinGen allele CA400733068.